The following is an entry in ClinVar:

ClinVar aggregate classification (germline): Likely pathogenic. Review status: criteria provided, multiple submitters, no conflicts (2 of 4 stars). 2 submissions from 2 submitters: Likely pathogenic (2). Last evaluated 2025-03-30.

Conditions:
Muscular dystrophy, limb-girdle, autosomal dominant 4. Also called: Calpain-3-related limb-girdle muscular dystrophy D4; MUSCULAR DYSTROPHY, LIMB-GIRDLE, TYPE 1I. Identifiers: Orphanet 565909, MedGen C4748295, MONDO:0029133, OMIM 618129.
Autosomal recessive limb-girdle muscular dystrophy type 2A (LGMDR1). Also called: Calpainopathy; Limb-girdle muscular dystrophy, type 2A; LEYDEN-MOEBIUS MUSCULAR DYSTROPHY; MUSCULAR DYSTROPHY, PELVOFEMORAL; Muscular dystrophy, limb-girdle, type 2A, Amish. Identifiers: Orphanet 267, MedGen C1869123, MONDO:0009675, OMIM 253600. Disease mechanism: loss of function.

Allele frequency attached by ClinVar (database versions not stated): gnomAD exomes below 0.00001; gnomAD 0.00001.
gnomAD v4.1: 5 of 1,601,558 alleles (0.00031%); highest among the groups gnomAD compares: Admixed American, 0.0069%; no homozygotes.

Submissions (2):

Labcorp Genetics (formerly Invitae), Labcorp
Classification: Likely pathogenic for Autosomal recessive limb-girdle muscular dystrophy type 2A. Last evaluated: 2025-03-30. Review status: criteria provided, single submitter. Criteria: Invitae Variant Classification Sherloc (09022015). Collection method: clinical testing. Allele origin: germline.
Comment: This sequence change disrupts the translational stop signal of the CAPN3 mRNA. It is expected to extend the length of the CAPN3 protein by 62 additional amino acid residues. This variant is present in population databases (no rsID available, gnomAD 0.003%). This protein extension has been observed in individual(s) with autosomal recessive limb-girdle muscular dystrophy type 2A (PMID: 24715573). In at least one individual the data is consistent with being in trans (on the opposite chromosome) from a pathogenic variant. It has also been observed to segregate with disease in related individuals. ClinVar contains an entry for this variant (Variation ID: 571060). Experimental studies and prediction algorithms are not available or were not evaluated, and the functional significance of this variant is currently unknown. In summary, the currently available evidence indicates that the variant is pathogenic, but additional data are needed to prove that conclusively. Therefore, this variant has been classified as Likely Pathogenic.

Baylor Genetics
Classification: Likely pathogenic for Muscular dystrophy, limb-girdle, autosomal dominant 4. Last evaluated: 2023-10-28. Review status: criteria provided, single submitter. Criteria: ACMG Guidelines, 2015. Collection method: clinical testing. Allele origin: unknown.

Literature cited by the submitters: PubMed 24715573 (cited by Labcorp Genetics (formerly Invitae), Labcorp).

NM_000070.3(CAPN3):c.2465G>T (p.Ter822Leu)

Gene: CAPN3 (calpain 3; plus strand). Cytogenetic location: 15q15.1.
Variant type: single nucleotide variant.
Coding change: c.2465G>T on transcript NM_000070.3 (MANE Select); coding-DNA position 2465, G replaced by T.
Protein change: p.Ter822Leu.
Molecular consequence: stop lost.
Genome position (GRCh38, 1-based): chr15:42,411,772, G>T. VCF-style: chr15-42411772-G-T. GRCh37 (hg19) VCF-style: chr15-42703970-G-T.
Other names: *822L; *730L; *310L; *157L; *816L; c.2447G>T, p.Ter816Leu (NM_024344.2); c.2189G>T, p.Ter730Leu (NM_173087.2); c.929G>T, p.Ter310Leu (NM_173088.2); and 1 more.
Identifiers: ClinVar variation 571060 (VCV000571060.13), dbSNP rs1162942997, ClinGen allele CA392002426.
Genomic context (GRCh38, chr15:42,411,772, plus strand): 5'-TCTGATCTACATTCTGATCTTGGGACTTCTTTCAGTGGCTGCAGCTCACCATGTATGCCT[G>T]AACCAGGCTGGCCTCATCCAAAGCCATGCAGGATCACTCAGGATTTCAGTTTCACCCTCT-3'